The following is an entry in ClinVar:

NM_001348716.2(KDM6B):c.2716C>G (p.Pro906Ala)

Gene: KDM6B (lysine demethylase 6B; plus strand). Cytogenetic location: 17p13.1.
Variant type: single nucleotide variant.
Coding change: c.2716C>G on transcript NM_001348716.2 (MANE Select); coding-DNA position 2716, C replaced by G.
Protein change: p.Pro906Ala; replaces proline 906 with alanine.
Molecular consequence: missense variant.
Genome position (GRCh38, 1-based): chr17:7,849,004, C>G. VCF-style: chr17-7849004-C-G. GRCh37 (hg19) VCF-style: chr17-7752322-C-G.
Other names: c.2716C>G (NM_001080424.1); c.2716C>G, p.Pro906Ala (NM_001080424.2); short protein forms P906A.
Identifiers: ClinVar variation 1694825 (VCV001694825.33), dbSNP rs201070294, ClinGen allele CA8360985.

ClinVar aggregate classification (germline): Likely benign. Review status: criteria provided, multiple submitters, no conflicts (2 of 4 stars). 3 submissions from 3 submitters: Likely benign (2). 1 of the submissions does not count toward it. Last evaluated 2024-11-12.

Conditions:
KDM6B-related disorder. Also called: KDM6B-related condition.

Allele frequency attached by ClinVar (database versions not stated): gnomAD 0.00048.
gnomAD v4.1: 754 of 1,596,044 alleles (0.047%); highest among the groups gnomAD compares: Middle Eastern, 1.7%; 4 homozygotes.

Submissions (3):

Blueprint Genetics
Classification: Likely benign. Last evaluated: 2024-11-12. Review status: criteria provided, single submitter. Criteria: ACMG Guidelines, 2015. Collection method: clinical testing. Allele origin: germline.

CeGaT Center for Human Genetics Tuebingen
Classification: Likely benign. Last evaluated: 2024-09-01. Review status: criteria provided, single submitter. Criteria: CeGaT Center For Human Genetics Tuebingen Variant Classification Criteria Version 2. Collection method: clinical testing. Allele origin: germline. Affected: yes. Observed: 9 variant alleles.
Comment: KDM6B: BS1

PreventionGenetics, part of Exact Sciences
Classification: Likely benign for KDM6B-related condition. Last evaluated: 2022-03-18. Review status: no assertion criteria provided. Collection method: clinical testing. Allele origin: germline. Not counted in ClinVar's aggregate classification.
Comment: This variant is classified as likely benign based on ACMG/AMP sequence variant interpretation guidelines (Richards et al. 2015 PMID: 25741868, with internal and published modifications).